The following is an entry in ClinVar:

ClinVar aggregate classification (germline): Uncertain significance (1 of 4 stars; one submission).

Allele frequency attached by ClinVar (database versions not stated): TOPMed below 0.00001; ExAC 0.00002.
gnomAD v4.1: 9 of 1,613,994 alleles (0.00056%); highest among the groups gnomAD compares: East Asian, 0.018%; no homozygotes.

Submission:

Labcorp Genetics (formerly Invitae), Labcorp
Classification: Uncertain significance. Last evaluated: 2022-05-06. Review status: criteria provided, single submitter. Criteria: Invitae Variant Classification Sherloc (09022015). Collection method: clinical testing. Allele origin: germline.
Comment: In summary, the available evidence is currently insufficient to determine the role of this variant in disease. Therefore, it has been classified as a Variant of Uncertain Significance. Algorithms developed to predict the effect of missense changes on protein structure and function (SIFT, PolyPhen-2, Align-GVGD) all suggest that this variant is likely to be disruptive. This variant has not been reported in the literature in individuals affected with VPS33A-related conditions. This variant is present in population databases (rs751768352, gnomAD 0.04%). This sequence change replaces proline, which is neutral and non-polar, with leucine, which is neutral and non-polar, at codon 521 of the VPS33A protein (p.Pro521Leu).

NM_022916.6(VPS33A):c.1562C>T (p.Pro521Leu)

Gene: VPS33A (VPS33A core subunit of CORVET and HOPS complexes; minus strand). Cytogenetic location: 12q24.31.
Variant type: single nucleotide variant.
Coding change: c.1562C>T on transcript NM_022916.6 (MANE Select); coding-DNA position 1562, C replaced by T.
Protein change: p.Pro521Leu; replaces proline 521 with leucine.
Molecular consequence: missense variant.
Genome position (GRCh38, 1-based): chr12:122,232,847, G>A on the plus strand (C>T on the coding strand, the complement: VPS33A is on the minus strand). VCF-style: chr12-122232847-G-A. GRCh37 (hg19) VCF-style: chr12-122717394-G-A.
Other names: c.1529C>T, p.Pro510Leu (NM_001351018.2); c.1514C>T, p.Pro505Leu (NM_001351019.2); c.1241C>T, p.Pro414Leu (NM_001351020.2); short protein forms P521L, P505L, P414L, P510L.
Identifiers: ClinVar variation 1986833 (VCV001986833.4), dbSNP rs751768352, ClinGen allele CA6844272.